The following is an entry in ClinVar:

ClinVar aggregate classification (germline): Likely benign. Review status: criteria provided, multiple submitters, no conflicts (2 of 4 stars). 2 submissions from 2 submitters: Likely benign (2). Last evaluated 2026-04-05.

Conditions:
ACBD5-related disorder. Also called: ACBD5-related condition.

Allele frequency attached by ClinVar (database versions not stated): gnomAD exomes below 0.00001; gnomAD 0.00001; ExAC 0.00002; TOPMed 0.00002.
gnomAD v4.1: 20 of 1,614,030 alleles (0.0012%); highest among the groups gnomAD compares: Admixed American, 0.0017%; no homozygotes.

Submissions (2):

PreventionGenetics, part of Exact Sciences
Classification: Likely benign for ACBD5-related condition. Last evaluated: 2026-04-05. Review status: criteria provided, single submitter. Criteria: ACMG Guidelines, 2015. Collection method: clinical testing. Allele origin: germline.
Comment: This variant is classified as likely benign based on ACMG/AMP sequence variant interpretation guidelines (Richards et al. 2015 PMID: 25741868, with internal and published modifications).

Labcorp Genetics (formerly Invitae), Labcorp
Classification: Likely benign. Last evaluated: 2025-01-13. Review status: criteria provided, single submitter. Criteria: Invitae Variant Classification Sherloc (09022015). Collection method: clinical testing. Allele origin: germline.

NM_145698.5(ACBD5):c.1137C>T (p.Ser379=)

Gene: ACBD5 (acyl-CoA binding domain containing 5; minus strand). Cytogenetic location: 10p12.1.
Variant type: single nucleotide variant.
Coding change: c.1137C>T on transcript NM_145698.5 (MANE Select); coding-DNA position 1137, C replaced by T.
Protein change: p.Ser379=; no amino-acid change (serine 379 retained).
Molecular consequence: synonymous variant.
Genome position (GRCh38, 1-based): chr10:27,210,881, G>A on the plus strand (C>T on the coding strand, the complement: ACBD5 is on the minus strand). VCF-style: chr10-27210881-G-A. GRCh37 (hg19) VCF-style: chr10-27499810-G-A.
Other names: c.1137C>T (NM_145698.4); c.810C>T, p.Ser270= (NM_001301251.2, NM_001301252.2, NM_001301253.2 and 2 more transcripts); c.606C>T, p.Ser202= (NM_001301254.2); c.1191C>T, p.Ser397= (NM_001352568.1); c.1170C>T, p.Ser390= (NM_001352569.1); c.1137C>T, p.Ser379= (NM_001352570.1); c.1164C>T, p.Ser388= (NM_001352571.1); c.1158C>T, p.Ser386= (NM_001352572.1); and 11 more.
Identifiers: ClinVar variation 1117435 (VCV001117435.10), dbSNP rs746002234, ClinGen allele CA5450746.